The following is an entry in ClinVar:

NM_024675.4(PALB2):c.693del (p.Gly232fs)

Gene: PALB2 (partner and localizer of BRCA2; minus strand). Cytogenetic location: 16p12.2.
Variant type: Deletion.
Coding change: c.693del on transcript NM_024675.4 (MANE Select); coding-DNA position 693, one base deleted (A; older notation c.693delA).
Protein change: p.Gly232fs; shifts the reading frame from glycine 232.
Molecular consequence: frameshift variant.
Genome position (GRCh38, 1-based): chr16:23,635,853, T deleted on the plus strand (A on the coding strand, the reverse complement: PALB2 is on the minus strand); the first of 5 consecutive T bases (chr16:23,635,853-23,635,857); deleting any one gives the same sequence. VCF-style (leftmost placement, unchanged base first): chr16-23635852-CT-C. GRCh37 (hg19) VCF-style: chr16-23647173-CT-C.
Other names: c.693delA (NM_024675.3); c.693del (NM_024675.3); short protein forms G232fs.
Identifiers: ClinVar variation 530139 (VCV000530139.12), dbSNP rs875989791, ClinGen allele CA658798561.
Genomic context (GRCh38, chr16:23,635,852, plus strand): 5'-TCTGTAAAGGAACTGTAGTCGCCCTGGTGAAATTAGGTCTTCTTAGGAATGTATCAACAC[CT>C]TTTTCTGGTTGGGCAGTTGGTGGAATTAATACACTGTCTTCATTAATTTCTGTAACTGGT-3'

ClinVar aggregate classification (germline): Pathogenic. Review status: criteria provided, multiple submitters, no conflicts (2 of 4 stars). 4 submissions from 4 submitters: Pathogenic (4). Last evaluated 2024-03-21.

Conditions:
Hereditary cancer-predisposing syndrome. Also called: Hereditary neoplastic syndrome; Neoplastic Syndromes, Hereditary; Hereditary Cancer Syndrome; Tumor predisposition. Identifiers: Orphanet 140162, MedGen C0027672, MeSH D009386, MONDO:0015356.
Familial cancer of breast. Also called: BREAST CANCER, FAMILIAL; Hereditary breast cancer; hereditary breast carcinoma. Identifiers: Orphanet 227535, MedGen C0346153, MONDO:0016419, OMIM 114480. Disease mechanism: loss of function.

Submissions (4):

GeneDx
Classification: Pathogenic. Last evaluated: 2024-03-21. Review status: criteria provided, single submitter. Criteria: GeneDx Variant Classification Process June 2021. Collection method: clinical testing. Allele origin: germline. Affected: yes.
Comment: Frameshift variant predicted to result in protein truncation or nonsense mediated decay in a gene for which loss of function is a known mechanism of disease; Truncating variants in this gene are considered pathogenic by a well-established clinical consortium and/or database; Not observed at significant frequency in large population cohorts (gnomAD); This variant is associated with the following publications: (PMID: 28724667, 29338689, 32339256)

Ambry Genetics
Classification: Pathogenic for Hereditary cancer-predisposing syndrome. Last evaluated: 2023-10-21. Review status: criteria provided, single submitter. Criteria: Ambry Variant Classification Scheme 2023. Collection method: clinical testing. Allele origin: germline.
Comment: The c.693delA pathogenic mutation, located in coding exon 4 of the PALB2 gene, results from a deletion of one nucleotide at nucleotide position 693, causing a translational frameshift with a predicted alternate stop codon (p.G232Vfs*6). This alteration was detected in 2/16501 Chinese breast cancer patients and 0/5890 female controls (Zhou J et al. Cancer, 2020 Jul;126:3202-3208). This variant is considered to be rare based on population cohorts in the Genome Aggregation Database (gnomAD). In addition to the clinical data presented in the literature, this alteration is expected to result in loss of function by premature protein truncation or nonsense-mediated mRNA decay. As such, this alteration is interpreted as a disease-causing mutation.

Myriad Genetics, Inc.
Classification: Pathogenic for Familial cancer of breast. Last evaluated: 2023-09-07. Review status: criteria provided, single submitter. Criteria: Myriad Autosomal Dominant, Autosomal Recessive and X-Linked Classification Criteria (2023). Collection method: clinical testing. Allele origin: unknown.
Comment: This variant is considered pathogenic. This variant creates a frameshift predicted to result in premature protein truncation.

Labcorp Genetics (formerly Invitae), Labcorp
Classification: Pathogenic for Familial cancer of breast. Last evaluated: 2020-11-06. Review status: criteria provided, single submitter. Criteria: Invitae Variant Classification Sherloc (09022015). Collection method: clinical testing. Allele origin: germline.
Comment: For these reasons, this variant has been classified as Pathogenic. Loss-of-function variants in PALB2 are known to be pathogenic (PMID: 17200668, 24136930, 25099575). This variant has been reported in the literature in individuals affected with breast cancer (PMID: 28724667). ClinVar contains an entry for this variant (Variation ID: 530139). This variant is not present in population databases (ExAC no frequency). This sequence change creates a premature translational stop signal (p.Gly232Valfs*6) in the PALB2 gene. It is expected to result in an absent or disrupted protein product.

Literature cited by the submitters: PubMed 32339256 (cited by Ambry Genetics); PubMed 17200668 (cited by Labcorp Genetics (formerly Invitae), Labcorp); PubMed 24136930 (cited by Labcorp Genetics (formerly Invitae), Labcorp); PubMed 25099575 (cited by Labcorp Genetics (formerly Invitae), Labcorp); PubMed 28724667 (cited by Labcorp Genetics (formerly Invitae), Labcorp).